The following is an entry in ClinVar:

ClinVar aggregate classification (germline): Uncertain significance (1 of 4 stars; one submission).

Conditions:
Hereditary cancer-predisposing syndrome. Also called: Hereditary neoplastic syndrome; Neoplastic Syndromes, Hereditary; Tumor predisposition; Hereditary Cancer Syndrome. Identifiers: Orphanet 140162, MedGen C0027672, MeSH D009386, MONDO:0015356.

Submission:

Ambry Genetics
Classification: Uncertain significance for Hereditary cancer-predisposing syndrome. Last evaluated: 2025-08-27. Review status: criteria provided, single submitter. Criteria: Ambry Variant Classification Scheme 2023. Collection method: clinical testing. Allele origin: germline.
Comment: The p.S326R variant (also known as c.978T>A), located in coding exon 11 of the MUTYH gene, results from a T to A substitution at nucleotide position 978. The serine at codon 326 is replaced by arginine, an amino acid with dissimilar properties. This amino acid position is conserved. In addition, this alteration is predicted to be tolerated by in silico analysis. Based on the available evidence, the clinical significance of this variant remains unclear.

NM_001048174.2(MUTYH):c.894T>A (p.Ser298Arg)

Gene: MUTYH (mutY DNA glycosylase; minus strand). Cytogenetic location: 1p34.1.
Variant type: single nucleotide variant.
Coding change: c.894T>A on transcript NM_001048174.2 (MANE Select); coding-DNA position 894, T replaced by A.
Protein change: p.Ser298Arg; replaces serine 298 with arginine.
Molecular consequence: missense variant. On other transcripts: non-coding transcript variant (7).
Genome position (GRCh38, 1-based): chr1:45,332,042, A>T on the plus strand (T>A on the coding strand, the complement: MUTYH is on the minus strand). VCF-style: chr1-45332042-A-T. GRCh37 (hg19) VCF-style: chr1-45797714-A-T.
Other names: c.936T>A, p.Ser312Arg (NM_001407083.1, NM_001407085.1); c.897T>A, p.Ser299Arg (NM_001407086.1, NM_001407078.1, NM_001407071.1 and 1 more transcripts); c.915T>A, p.Ser305Arg (NM_001407087.1); c.894T>A, p.Ser298Arg (NM_001407088.1, NM_001407089.1, NM_001407081.1 and 6 more transcripts); c.618T>A, p.Ser206Arg (NM_001407091.1, NM_001293192.2, NM_001293196.2); c.969T>A, p.Ser323Arg (NM_012222.3); c.855T>A, p.Ser285Arg (NM_001407079.1); c.852T>A, p.Ser284Arg (NM_001407080.1); and 5 more; short protein forms S285R, S309R, S284R, S298R, S305R, S312R, S326R, S183R.
Identifiers: ClinVar variation 4113980 (VCV004113980.1).